The following is an entry in ClinVar:

ClinVar aggregate classification (germline): Conflicting classifications of pathogenicity. Review status: criteria provided, conflicting classifications (1 of 4 stars). 3 submissions from 3 submitters: Uncertain significance (1); Likely benign (1). 1 of the submissions does not count toward it. Last evaluated 2026-04-01.

Submissions (3):

CeGaT Center for Human Genetics Tuebingen
Classification: Likely benign. Last evaluated: 2026-04-01. Review status: criteria provided, single submitter. Criteria: CeGaT Center For Human Genetics Tuebingen Variant Classification Criteria Version 2. Collection method: clinical testing. Allele origin: germline. Affected: yes. Observed: 1 variant allele.
Comment: SOCS1: BP3, BS1:Supporting

GeneDx
Classification: Uncertain significance. Last evaluated: 2022-05-02. Review status: criteria provided, single submitter. Criteria: GeneDx Variant Classification Process June 2021. Collection method: clinical testing. Allele origin: germline. Affected: yes.
Comment: In-frame deletion of 2 amino acids in a non-repeat region; In silico analysis supports that this variant does not alter protein structure/function; Has not been previously published as pathogenic or benign to our knowledge

ITMI
No classification provided. Condition: AllHighlyPenetrant. Last evaluated: 2013-09-19. Review status: no classification provided. Collection method: reference population. Allele origin: germline. Not counted in ClinVar's aggregate classification.
Comment: Please see associated publication for description of ethnicities

Literature cited by the submitters: PubMed 24728327 (cited by ITMI).

NM_003745.2(SOCS1):c.138GGCCCC[1] (p.47AP[1])

Gene: SOCS1 (suppressor of cytokine signaling 1; minus strand). Cytogenetic location: 16p13.13.
Variant type: Microsatellite.
Coding change: c.138GGCCCC[1] on transcript NM_003745.2 (MANE Select); one copy of the 6-base unit GGCCCC starting at c.138; the reference has two copies in a row; one copy, 6 bases deleted.
Protein change: p.47AP[1].
Molecular consequence: inframe deletion.
Genome position (GRCh38, 1-based): chr16:11,255,330-11,255,335, GGGGCC deleted on the plus strand (GGCCCC on the coding strand, the reverse complement: SOCS1 is on the minus strand); deleting any 6 consecutive bases within chr16:11,255,330-11,255,344 gives the same sequence; the position shown is the placement nearest the transcript's 3' end. VCF-style (leftmost placement, unchanged base first): chr16-11255329-GGGGGCC-G. GRCh37 (hg19) VCF-style: chr16-11349186-GGGGGCC-G.
Identifiers: ClinVar variation 135272 (VCV000135272.7), dbSNP rs587778691, ClinGen allele CA162190.